The following is an entry in ClinVar:

ClinVar aggregate classification (germline): Uncertain significance. Review status: criteria provided, multiple submitters, no conflicts (2 of 4 stars). 5 submissions from 5 submitters: Uncertain significance (4). 1 of the submissions does not count toward it. Last evaluated 2025-07-20.

Conditions:
Hereditary cancer-predisposing syndrome. Also called: Hereditary Cancer Syndrome; Tumor predisposition; Neoplastic Syndromes, Hereditary; Hereditary neoplastic syndrome. Identifiers: Orphanet 140162, MedGen C0027672, MeSH D009386, MONDO:0015356.
Ataxia-telangiectasia syndrome (AT). Also called: ATAXIA-TELANGIECTASIA, COMPLEMENTATION GROUP A; ATAXIA-TELANGIECTASIA, FRESNO VARIANT; Ataxia-telangiectasia; Ataxia-telangiectasia, complementation group E; Cerebello-oculocutaneous telangiectasia; Immunodeficiency with ataxia telangiectasia. Identifiers: Orphanet 100, MedGen C0004135, MONDO:0008840, OMIM 208900.

Allele frequency attached by ClinVar (database versions not stated): gnomAD exomes 0.00001; ExAC 0.00002.
gnomAD v4.1: 4 of 1,613,956 alleles (0.00025%); highest among the groups gnomAD compares: East Asian, 0.0089%; no homozygotes.

Submissions (5):

Ambry Genetics
Classification: Uncertain significance for Hereditary cancer-predisposing syndrome. Last evaluated: 2025-07-20. Review status: criteria provided, single submitter. Criteria: Ambry Variant Classification Scheme 2023. Collection method: clinical testing. Allele origin: germline.
Comment: The p.E2744A variant (also known as c.8231A>C), located in coding exon 55 of the ATM gene, results from an A to C substitution at nucleotide position 8231. The glutamic acid at codon 2744 is replaced by alanine, an amino acid with dissimilar properties. This alteration was observed with an allele frequency of 0.00028 in 7,051 unselected female breast cancer patients and was not observed in 11,241 female controls of Japanese ancestry. In addition, it was not observed in unselected male breast cancer patients and was observed with an allele frequency of 0.0001 in 12,490 male controls of Japanese ancestry (Momozawa Y et al. Nat Commun, 2018 10;9:4083). This amino acid position is well conserved in available vertebrate species. In addition, the in silico prediction for this alteration is inconclusive. Since supporting evidence is limited at this time, the clinical significance of this alteration remains unclear.

Labcorp Genetics (formerly Invitae), Labcorp
Classification: Uncertain significance for Ataxia-telangiectasia syndrome. Last evaluated: 2024-05-04. Review status: criteria provided, single submitter. Criteria: Invitae Variant Classification Sherloc (09022015). Collection method: clinical testing. Allele origin: germline.
Comment: This sequence change replaces glutamic acid, which is acidic and polar, with alanine, which is neutral and non-polar, at codon 2744 of the ATM protein (p.Glu2744Ala). This variant is present in population databases (rs764003317, gnomAD 0.02%). This missense change has been observed in individual(s) with breast cancer (PMID: 30287823). ClinVar contains an entry for this variant (Variation ID: 186768). An algorithm developed to predict the effect of missense changes on protein structure and function (PolyPhen-2) suggests that this variant is likely to be disruptive. In summary, the available evidence is currently insufficient to determine the role of this variant in disease. Therefore, it has been classified as a Variant of Uncertain Significance.

Women's Health and Genetics/Laboratory Corporation of America, LabCorp
Classification: Uncertain significance. Last evaluated: 2021-11-17. Review status: criteria provided, single submitter. Criteria: LabCorp Variant Classification Summary - May 2015. Collection method: clinical testing. Allele origin: germline.
Comment: Variant summary: ATM c.8231A>C (p.Glu2744Ala) results in a non-conservative amino acid change located in the Phosphatidylinositol 3-/4-kinase, catalytic domain (IPR000403) of the encoded protein sequence. Five of five in-silico tools predict a damaging effect of the variant on protein function. The variant allele was found at a frequency of 1.2e-05 in 251044 control chromosomes (gnomAD). The available data on variant occurrences in the general population are insufficient to allow any conclusion about variant significance. c.8231A>C has been reported in the literature in individuals affected with Breast Cancer (Momozawa_2018) as well as unaffected controls (Momozawa_2018 and Dorling_2021). These reports do not provide unequivocal conclusions about association of the variant with Ataxia-Telangiectasia. To our knowledge, no experimental evidence demonstrating an impact on protein function has been reported. Three clinical diagnostic laboratories have submitted clinical-significance assessments for this variant to ClinVar after 2014 and all laboratories classified the variant as uncertain significance. Based on the evidence outlined above, the variant was classified as uncertain significance.

Color Diagnostics, LLC DBA Color Health
Classification: Uncertain significance for Hereditary cancer-predisposing syndrome. Last evaluated: 2019-06-19. Review status: criteria provided, single submitter. Criteria: ACMG Guidelines, 2015. Collection method: clinical testing. Allele origin: germline.

Natera, Inc.
Classification: Uncertain significance for Ataxia-telangiectasia. Last evaluated: 2021-09-02. Review status: no assertion criteria provided. Collection method: clinical testing. Allele origin: germline. Not counted in ClinVar's aggregate classification.

Literature cited by the submitters: PubMed 30287823 (cited by 3 submitters); PubMed 33471991 (cited by Women's Health and Genetics/Laboratory Corporation of America, LabCorp).

NM_000051.4(ATM):c.8231A>C (p.Glu2744Ala)

Genes: C11orf65 (chromosome 11 open reading frame 65; minus strand), ATM (ATM serine/threonine kinase; plus strand). Cytogenetic location: 11q22.3.
Variant type: single nucleotide variant.
Coding change: c.8231A>C on transcript NM_000051.4 (MANE Select); coding-DNA position 8231, A replaced by C.
Protein change: p.Glu2744Ala; replaces glutamic acid 2744 with alanine.
Molecular consequence: missense variant. On other transcripts: intron variant (2).
Genome position (GRCh38, 1-based): chr11:108,335,924, A>C. VCF-style: chr11-108335924-A-C. GRCh37 (hg19) VCF-style: chr11-108206651-A-C.
Other names: c.8231A>C, p.Glu2744Ala (NM_001351834.2); c.641-26853T>G (NM_001330368.2); c.695-632T>G (NM_001351110.2); short protein forms E2744A.
Identifiers: ClinVar variation 186768 (VCV000186768.29), dbSNP rs764003317, ClinGen allele CA195815.
Genomic context (GRCh38, chr11:108,335,924, plus strand): 5'-AAGATGCTGTCATGCAACAGGTCTTCCAGATGTGTAATACATTACTGCAGAGAAACACGG[A>C]AACTAGGAAGAGGAAATTAACTATCTGTACTTATAAGGTAACTATTTGTACTTCTGTTAG-3'
Protein context (NP_000042.3, residues 2734-2754): MCNTLLQRNT[Glu2744Ala]TRKRKLTICT